The following is an entry in ClinVar:

ClinVar aggregate classification (germline): Pathogenic (1 of 4 stars; one submission).

Conditions:
Multiple congenital exostosis (EXT). Also called: Multiple exostoses; MULTIPLE CARTILAGINOUS EXOSTOSES; Multiple osteochondromas; Hereditary multiple osteochondromas; Hereditary multiple exostoses; Hereditary multiple exostosis. Identifiers: Orphanet 321, MedGen C0015306, MONDO:0005508, HP:0002762.

Submission:

Labcorp Genetics (formerly Invitae), Labcorp
Classification: Pathogenic for Multiple congenital exostosis. Last evaluated: 2023-11-12. Review status: criteria provided, single submitter. Criteria: Invitae Variant Classification Sherloc (09022015). Collection method: clinical testing. Allele origin: unknown.
Comment: A gross deletion of the genomic region encompassing the full coding sequence of the EXT1 gene has been identified. Loss-of-function variants in EXT1 are known to be pathogenic (PMID: 10679937, 11391482, 19810120). The boundaries of this event are unknown as they extend beyond the assayed region for this gene and therefore may encompass additional genes. A similar copy number variant has been observed in individual(s) with multiple exotoses (PMID: 29126381). For these reasons, this variant has been classified as Pathogenic.

Literature cited by the submitters: PubMed 10679937; PubMed 11391482; PubMed 19810120; PubMed 29126381.

NC_000008.10:g.(?_118649470)_(122282519_?)del

Genes: CCN3 (cellular communication network factor 3; plus strand), COL14A1 (collagen type XIV alpha 1 chain; plus strand), COLEC10 (collectin subfamily member 10; plus strand), DEPTOR (DEP domain containing MTOR interacting protein; plus strand), DSCC1 (DNA replication and sister chromatid cohesion 1; minus strand) and 9 more. Cytogenetic location: 8q24.11-24.12.
Variant type: Deletion.
Identifiers: ClinVar variation 3245402 (VCV003245402.1).